The following is an entry in ClinVar:

ClinVar aggregate classification (germline): Benign (1 of 4 stars; one submission).

Conditions:
MEGF10-related myopathy (CMYO10A). Also called: Congenital myopathy 10A, severe variant. Identifiers: Orphanet 439212, MedGen C3280679, MONDO:0013731, OMIM 614399.

Allele frequency attached by ClinVar (database versions not stated): gnomAD 0.06551 and 0.07027; TOPMed 0.07443; 1000 Genomes Project 0.07568; 1000 Genomes Project 30x 0.08042.

Submission:

Illumina Laboratory Services, Illumina
Classification: Benign for MEGF10-related myopathy. Last evaluated: 2018-01-12. Review status: criteria provided, single submitter. Criteria: ICSL Variant Classification Criteria 13 December 2019. Collection method: clinical testing. Allele origin: germline.
Comment: This variant was observed in the ICSL laboratory as part of a predisposition screen in an ostensibly healthy population. It had not been previously curated by ICSL or reported in the Human Gene Mutation Database (HGMD: prior to June 1st, 2018), and was therefore a candidate for classification through an automated scoring system. Utilizing variant allele frequency, disease prevalence and penetrance estimates, and inheritance mode, an automated score was calculated to assess if this variant is too frequent to cause the disease. Based on the score and internal cut-off values, a variant classified as benign is not then subjected to further curation. The score for this variant resulted in a classification of benign for this disease.

NM_001256545.2(MEGF10):c.*1246C>T

Gene: MEGF10 (multiple EGF like domains 10; plus strand). Cytogenetic location: 5q23.2.
Variant type: single nucleotide variant.
Coding change: c.*1246C>T on transcript NM_001256545.2 (MANE Select); 1246 bases downstream of the stop codon, C replaced by T.
Molecular consequence: 3 prime UTR variant.
Genome position (GRCh38, 1-based): chr5:127,458,564, C>T. VCF-style: chr5-127458564-C-T. GRCh37 (hg19) VCF-style: chr5-126794256-C-T.
Other names: c.*1246C>T (NM_032446.3).
Identifiers: ClinVar variation 350687 (VCV000350687.5), dbSNP rs17164925, ClinGen allele CA10622425.